The following is an entry in ClinVar:

ClinVar aggregate classification (germline): Benign/Likely benign. Review status: criteria provided, multiple submitters, no conflicts (2 of 4 stars). 8 submissions from 7 submitters: Benign (1); Likely benign (6). 1 of the submissions does not count toward it. Last evaluated 2026-05-26.

Conditions:
Adams-Oliver syndrome 5 (AOS5). Identifiers: Orphanet 974, MedGen C4014970, MONDO:0014459, OMIM 616028.
NOTCH1-related disorder. Also called: NOTCH1-related condition; NOTCH1-related disorders.
Familial thoracic aortic aneurysm and aortic dissection (TAAD). Also called: Thoracic aortic aneurysms and dissections. Identifiers: Orphanet 91387, MedGen C4707243, MONDO:0019625.
Aortic valve disease 1 (AOVD1). Identifiers: MedGen C3887892, MONDO:0024523, OMIM 109730.

Allele frequency attached by ClinVar (database versions not stated): gnomAD 0.00005; TOPMed 0.00005; gnomAD exomes 0.00010 and 0.00007; 1000 Genomes Project 0.00040; 1000 Genomes Project 30x 0.00062; ExAC 0.00013.
gnomAD v4.1: 117 of 1,612,922 alleles (0.0073%); highest among the groups gnomAD compares: Admixed American, 0.037%; no homozygotes.

Submissions (8):

Ambry Genetics
Classification: Likely benign for Familial thoracic aortic aneurysm and aortic dissection. Last evaluated: 2026-05-26. Review status: criteria provided, single submitter. Criteria: Ambry Variant Classification Scheme 2023. Collection method: clinical testing. Allele origin: germline.

Labcorp Genetics (formerly Invitae), Labcorp
Classification: Likely benign for Adams-Oliver syndrome 5. Last evaluated: 2025-11-09. Review status: criteria provided, single submitter. Criteria: Invitae Variant Classification Sherloc (09022015). Collection method: clinical testing. Allele origin: germline.

Women's Health and Genetics/Laboratory Corporation of America, LabCorp
Classification: Benign. Last evaluated: 2023-04-10. Review status: criteria provided, single submitter. Criteria: LabCorp Variant Classification Summary - May 2015. Collection method: clinical testing. Allele origin: germline.

Genome-Nilou Lab
Classification: Likely benign for Adams-Oliver syndrome 5. Last evaluated: 2022-03-15. Review status: criteria provided, single submitter. Criteria: ACMG Guidelines, 2015. Collection method: clinical testing. Allele origin: germline. Affected: no.

Genome-Nilou Lab
Classification: Likely benign for Aortic valve disease 1. Last evaluated: 2022-03-15. Review status: criteria provided, single submitter. Criteria: ACMG Guidelines, 2015. Collection method: clinical testing. Allele origin: germline. Affected: no.

GeneDx
Classification: Likely benign. Last evaluated: 2017-11-22. Review status: criteria provided, single submitter. Criteria: GeneDx Variant Classification (06012015). Collection method: clinical testing. Allele origin: germline. Affected: yes.
Comment: This variant is considered likely benign or benign based on one or more of the following criteria: it is a conservative change, it occurs at a poorly conserved position in the protein, it is predicted to be benign by multiple in silico algorithms, and/or has population frequency not consistent with disease.

CHEO Genetics Diagnostic Laboratory, Children's Hospital of Eastern Ontario
Classification: Likely benign for Familial thoracic aortic aneurysm and aortic dissection. Last evaluated: 2016-12-21. Review status: criteria provided, single submitter. Criteria: ACMG Guidelines, 2015. Collection method: clinical testing. Allele origin: germline. Study: Canadian Open Genetics Repository.

PreventionGenetics, part of Exact Sciences
Classification: Likely benign for NOTCH1-related condition. Last evaluated: 2020-12-16. Review status: no assertion criteria provided. Collection method: clinical testing. Allele origin: germline. Not counted in ClinVar's aggregate classification.
Comment: This variant is classified as likely benign based on ACMG/AMP sequence variant interpretation guidelines (Richards et al. 2015 PMID: 25741868, with internal and published modifications).

NM_017617.5(NOTCH1):c.963C>T (p.Cys321=)

Gene: NOTCH1 (notch receptor 1; minus strand). Cytogenetic location: 9q34.3.
Variant type: single nucleotide variant.
Coding change: c.963C>T on transcript NM_017617.5 (MANE Select); coding-DNA position 963, C replaced by T.
Protein change: p.Cys321=; no amino-acid change (cysteine 321 retained).
Molecular consequence: synonymous variant.
Genome position (GRCh38, 1-based): chr9:136,518,727, G>A on the plus strand (C>T on the coding strand, the complement: NOTCH1 is on the minus strand). VCF-style: chr9-136518727-G-A. GRCh37 (hg19) VCF-style: chr9-139413179-G-A.
Other names: c.963C>T, p.Cys321= (LRG_1122t1); c.963C>T (NM_017617.4).
Identifiers: ClinVar variation 513639 (VCV000513639.20), dbSNP rs201158068, ClinGen allele CA5341967.
Genomic context (GRCh38, chr9:136,518,727, plus strand): 5'-GCTGGCACAGTCATCAATGTTCTCGCTGCAGTCCTCACCAGTCCAGCCGTTGACACACAC[G>A]CAGTTGTAGCCACCGTGGGTGTTGTGGCAGGTCCCGCCGTTCTGGCAGGCATTTGGCATC-3'
Protein context (NP_060087.3, residues 311-331): TCHNTHGGYN[Cys321=]VCVNGWTGED